The following is an entry in ClinVar:

ClinVar aggregate classification (germline): Likely benign (1 of 4 stars; one submission).

Submission:

CeGaT Center for Human Genetics Tuebingen
Classification: Likely benign. Last evaluated: 2025-10-01. Review status: criteria provided, single submitter. Criteria: CeGaT Center For Human Genetics Tuebingen Variant Classification Criteria Version 2. Collection method: clinical testing. Allele origin: germline. Affected: yes. Observed: 1 variant allele.
Comment: WDR37: BP4, BP7

NC_000010.11:g.1160615C>T

Genes: LINC00200 (long independently transcribed non-coding RNA 200; plus strand), WDR37 (WD repeat domain 37; plus strand). Cytogenetic location: 10p15.3.
Variant type: single nucleotide variant.
Molecular consequence: non-coding transcript variant (on NR_015376.2).
Genome position: GRCh38 VCF-style: chr10-1160615-C-T. GRCh37 (hg19) VCF-style: chr10-1206555-C-T.
Identifiers: ClinVar variation 4281290 (VCV004281290.7).